The following is an entry in ClinVar:

ClinVar aggregate classification (germline): Benign/Likely benign. Review status: criteria provided, multiple submitters, no conflicts (2 of 4 stars). 4 submissions from 4 submitters: Benign (1); Likely benign (3). Last evaluated 2025-03-26.

Conditions:
Hereditary cancer-predisposing syndrome. Also called: Tumor predisposition; Hereditary Cancer Syndrome; Hereditary neoplastic syndrome; Neoplastic Syndromes, Hereditary. Identifiers: Orphanet 140162, MedGen C0027672, MeSH D009386, MONDO:0015356.
Peutz-Jeghers syndrome (PJS). Also called: POLYPOSIS, HAMARTOMATOUS INTESTINAL; POLYPS-AND-SPOTS SYNDROME; Peutz-Jeghers polyposis; Periorificial lentiginosis syndrome. Identifiers: Orphanet 2869, MedGen C0031269, MeSH D010580, MONDO:0008280, OMIM 175200.

Allele frequency attached by ClinVar (database versions not stated): gnomAD exomes below 0.00001.
gnomAD v4.1: 2 of 1,599,502 alleles (0.00013%); highest among the groups gnomAD compares: East Asian, 0.0045%; no homozygotes.

Submissions (4):

Myriad Genetics, Inc.
Classification: Benign for Peutz-Jeghers syndrome. Last evaluated: 2025-03-26. Review status: criteria provided, single submitter. Criteria: Myriad Autosomal Dominant, Autosomal Recessive and X-Linked Classification Criteria (2023). Collection method: clinical testing. Allele origin: unknown.
Comment: This variant is considered benign. This variant is a silent/synonymous amino acid change and it is not expected to impact splicing.

Labcorp Genetics (formerly Invitae), Labcorp
Classification: Likely benign for Peutz-Jeghers syndrome. Last evaluated: 2025-01-21. Review status: criteria provided, single submitter. Criteria: Invitae Variant Classification Sherloc (09022015). Collection method: clinical testing. Allele origin: germline.

All of Us Research Program, National Institutes of Health
Classification: Likely benign for Peutz-Jeghers syndrome. Last evaluated: 2024-02-22. Review status: criteria provided, single submitter. Criteria: ACMG Guidelines, 2015. Collection method: clinical testing. Allele origin: germline. Inheritance: Autosomal dominant inheritance. Observed: 1 variant allele, 1 heterozygote.
Comment: This study involves interpretation of variants in research participants for the purpose of population health screening. Participant phenotype was not available at the time of variant classification. Additional details can be found in publication PMID: 35346344, PMCID: PMC8962531

Ambry Genetics
Classification: Likely benign for Hereditary cancer-predisposing syndrome. Last evaluated: 2016-04-08. Review status: criteria provided, single submitter. Criteria: Ambry Variant Classification Scheme 2023. Collection method: clinical testing. Allele origin: germline.

NM_000455.5(STK11):c.630C>T (p.Cys210=)

Gene: STK11 (serine/threonine kinase 11; plus strand). Cytogenetic location: 19p13.3.
Variant type: single nucleotide variant.
Coding change: c.630C>T on transcript NM_000455.5 (MANE Select); coding-DNA position 630, C replaced by T.
Protein change: p.Cys210=; no amino-acid change (cysteine 210 retained).
Molecular consequence: synonymous variant.
Genome position (GRCh38, 1-based): chr19:1,220,613, C>T. VCF-style: chr19-1220613-C-T. GRCh37 (hg19) VCF-style: chr19-1220612-C-T.
Identifiers: ClinVar variation 184000 (VCV000184000.16), dbSNP rs786201213, ClinGen allele CA023182.